The following is an entry in ClinVar:

NM_014762.4(DHCR24):c.387+3dup

Gene: DHCR24 (24-dehydrocholesterol reductase; minus strand). Cytogenetic location: 1p32.3.
Variant type: Duplication.
Coding change: c.387+3dup on transcript NM_014762.4 (MANE Select); 3 bases into the intron after coding-DNA position 387, one base duplicated (G; older notation c.387+3dupG).
Molecular consequence: intron variant.
Genome position (GRCh38, 1-based): chr1:54,883,615, C duplicated on the plus strand (G on the coding strand, the reverse complement: DHCR24 is on the minus strand). VCF-style (leftmost placement, unchanged base first): chr1-54883614-T-TC. GRCh37 (hg19) VCF-style: chr1-55349287-T-TC.
Identifiers: ClinVar variation 1909533 (VCV001909533.2), dbSNP rs762556393, ClinGen allele CA870858.

ClinVar aggregate classification (germline): Uncertain significance (1 of 4 stars; one submission).

Allele frequency attached by ClinVar (database versions not stated): TOPMed below 0.00001; ExAC 0.00001.

Submission:

Labcorp Genetics (formerly Invitae), Labcorp
Classification: Uncertain significance. Last evaluated: 2022-08-22. Review status: criteria provided, single submitter. Criteria: Invitae Variant Classification Sherloc (09022015). Collection method: clinical testing. Allele origin: germline.
Comment: This sequence change falls in intron 2 of the DHCR24 gene. It does not directly change the encoded amino acid sequence of the DHCR24 protein. It affects a nucleotide within the consensus splice site. This variant is present in population databases (rs762556393, gnomAD 0.003%). This variant has not been reported in the literature in individuals affected with DHCR24-related conditions. Variants that disrupt the consensus splice site are a relatively common cause of aberrant splicing (PMID: 17576681, 9536098). Algorithms developed to predict the effect of sequence changes on RNA splicing suggest that this variant is not likely to affect RNA splicing. In summary, the available evidence is currently insufficient to determine the role of this variant in disease. Therefore, it has been classified as a Variant of Uncertain Significance.

Literature cited by the submitters: PubMed 17576681; PubMed 9536098.